The following is an entry in ClinVar:

ClinVar aggregate classification (germline): Uncertain significance (1 of 4 stars; one submission).

gnomAD v4.1: 50 of 988,860 alleles (0.0051%); highest among the groups gnomAD compares: Non-Finnish European, 0.0058%; no homozygotes.

Submission:

Labcorp Genetics (formerly Invitae), Labcorp
Classification: Uncertain significance. Last evaluated: 2025-01-30. Review status: criteria provided, single submitter. Criteria: Invitae Variant Classification Sherloc (09022015). Collection method: clinical testing. Allele origin: germline.
Comment: This sequence change replaces glycine, which is neutral and non-polar, with aspartic acid, which is acidic and polar, at codon 34 of the SOX18 protein (p.Gly34Asp). This variant is present in population databases (no rsID available, gnomAD 0.01%). This variant has not been reported in the literature in individuals affected with SOX18-related conditions. An algorithm developed to predict the effect of missense changes on protein structure and function (PolyPhen-2) suggests that this variant is likely to be disruptive. In summary, the available evidence is currently insufficient to determine the role of this variant in disease. Therefore, it has been classified as a Variant of Uncertain Significance.

NM_018419.3(SOX18):c.101G>A (p.Gly34Asp)

Gene: SOX18 (SRY-box transcription factor 18; minus strand). Cytogenetic location: 20q13.33.
Variant type: single nucleotide variant.
Coding change: c.101G>A on transcript NM_018419.3 (MANE Select); coding-DNA position 101, G replaced by A.
Protein change: p.Gly34Asp; replaces glycine 34 with aspartic acid.
Molecular consequence: missense variant.
Genome position (GRCh38, 1-based): chr20:64,049,416, C>T on the plus strand (G>A on the coding strand, the complement: SOX18 is on the minus strand). VCF-style: chr20-64049416-C-T. GRCh37 (hg19) VCF-style: chr20-62680769-C-T.
Other names: short protein forms G34D.
Identifiers: ClinVar variation 4798169 (VCV004798169.1).